The following is an entry in ClinVar:

NM_000540.3(RYR1):c.2682+3G>A

Gene: RYR1 (ryanodine receptor 1; plus strand). Cytogenetic location: 19q13.2.
Variant type: single nucleotide variant.
Coding change: c.2682+3G>A on transcript NM_000540.3 (MANE Select); 3 bases into the intron after coding-DNA position 2682, G replaced by A.
Molecular consequence: intron variant.
Genome position (GRCh38, 1-based): chr19:38,463,530, G>A. VCF-style: chr19-38463530-G-A. GRCh37 (hg19) VCF-style: chr19-38954170-G-A.
Other names: c.2682+3G>A (NM_001042723.2).
Identifiers: ClinVar variation 3073831 (VCV003073831.1), dbSNP rs757165906, ClinGen allele CA063735.

ClinVar aggregate classification (germline): Uncertain significance (1 of 4 stars; one submission).

Conditions:
Malignant hyperthermia, susceptibility to, 1 (MHS1). Also called: Anesthesia related hyperthermia; Malignant hyperpyrexia; Fulminating hyperpyrexia; Pharmacogenic myopathy; RYR1-Related Malignant Hyperthermia Susceptibility; Malignant hyperthermia suceptibility 1. Identifiers: Orphanet 423, MedGen C2930980, MONDO:0007783, OMIM 145600.

Allele frequency attached by ClinVar (database versions not stated): ExAC 0.00001; gnomAD exomes below 0.00001; TOPMed below 0.00001.
gnomAD v4.1: 2 of 1,611,380 alleles (0.00012%); highest among the groups gnomAD compares: Admixed American, 0.0017%; no homozygotes.

Submission:

All of Us Research Program, National Institutes of Health
Classification: Uncertain significance for Malignant hyperthermia, susceptibility to, 1. Last evaluated: 2023-10-06. Review status: criteria provided, single submitter. Criteria: ACMG Guidelines, 2015. Collection method: clinical testing. Allele origin: germline. Inheritance: Autosomal dominant inheritance. Observed: 1 variant allele, 1 heterozygote.
Comment: This variant causes a G to A nucleotide substitution at the +3 position of intron 21 of the RYR1 gene. To our knowledge, functional studies have not been reported for this variant. This variant has not been reported in individuals affected with RYR1-related disorders in the literature. This variant has been identified in 1/245862 chromosomes in the general population by the Genome Aggregation Database (gnomAD). The available evidence is insufficient to determine the role of this variant in disease conclusively. Therefore, this variant is classified as a Variant of Uncertain Significance.

This study involves interpretation of variants in research participants for the purpose of population health screening. Participant phenotype was not available at the time of variant classification. Additional details can be found in publication PMID: 35346344, PMCID: PMC8962531